The following is an entry in ClinVar:

NM_005141.5(FGB):c.125G>C (p.Ser42Thr)

Gene: FGB (fibrinogen beta chain; plus strand). Cytogenetic location: 4q31.3.
Variant type: single nucleotide variant.
Coding change: c.125G>C on transcript NM_005141.5 (MANE Select); coding-DNA position 125, G replaced by C.
Protein change: p.Ser42Thr; replaces serine 42 with threonine.
Molecular consequence: missense variant.
Genome position (GRCh38, 1-based): chr4:154,565,818, G>C. VCF-style: chr4-154565818-G-C. GRCh37 (hg19) VCF-style: chr4-155486970-G-C.
Other names: c.125G>C, p.Ser42Thr (NM_001184741.1, NM_001382759.1, NM_001382760.1 and 5 more transcripts); short protein forms S42T.
Identifiers: ClinVar variation 1982341 (VCV001982341.4), dbSNP rs773855571, ClinGen allele CA358508247.

ClinVar aggregate classification (germline): Uncertain significance (1 of 4 stars; one submission).

Allele frequency attached by ClinVar (database versions not stated): TOPMed 0.00001.

Submission:

Labcorp Genetics (formerly Invitae), Labcorp
Classification: Uncertain significance. Last evaluated: 2024-10-28. Review status: criteria provided, single submitter. Criteria: Invitae Variant Classification Sherloc (09022015). Collection method: clinical testing. Allele origin: germline.
Comment: This sequence change replaces serine, which is neutral and polar, with threonine, which is neutral and polar, at codon 42 of the FGB protein (p.Ser42Thr). This variant is not present in population databases (gnomAD no frequency). This variant has not been reported in the literature in individuals affected with FGB-related conditions. ClinVar contains an entry for this variant (Variation ID: 1982341). Invitae Evidence Modeling of protein sequence and biophysical properties (such as structural, functional, and spatial information, amino acid conservation, physicochemical variation, residue mobility, and thermodynamic stability) indicates that this missense variant is not expected to disrupt FGB protein function with a negative predictive value of 80%. In summary, the available evidence is currently insufficient to determine the role of this variant in disease. Therefore, it has been classified as a Variant of Uncertain Significance.